The following is an entry in ClinVar:

ClinVar aggregate classification (germline): Uncertain significance. Review status: criteria provided, multiple submitters, no conflicts (2 of 4 stars). 2 submissions from 2 submitters: Uncertain significance (2). Last evaluated 2023-11-27.

Conditions:
KBG syndrome (KBGS). Also called: ANKRD11-Related KBG Syndrome. Identifiers: Orphanet 2332, MedGen C0220687, MONDO:0007846, OMIM 148050.

Allele frequency attached by ClinVar (database versions not stated): ExAC 0.00001; gnomAD 0.00001; TOPMed 0.00002.
gnomAD v4.1: 14 of 1,609,850 alleles (0.00087%); highest among the groups gnomAD compares: African/African-American, 0.0053%; no homozygotes.

Submissions (2):

Labcorp Genetics (formerly Invitae), Labcorp
Classification: Uncertain significance for KBG syndrome. Last evaluated: 2023-11-27. Review status: criteria provided, single submitter. Criteria: Invitae Variant Classification Sherloc (09022015). Collection method: clinical testing. Allele origin: germline.
Comment: This sequence change replaces proline, which is neutral and non-polar, with leucine, which is neutral and non-polar, at codon 1713 of the ANKRD11 protein (p.Pro1713Leu). This variant is present in population databases (rs748594316, gnomAD 0.007%). This variant has not been reported in the literature in individuals affected with ANKRD11-related conditions. ClinVar contains an entry for this variant (Variation ID: 2058758). Advanced modeling of protein sequence and biophysical properties (such as structural, functional, and spatial information, amino acid conservation, physicochemical variation, residue mobility, and thermodynamic stability) performed at Invitae indicates that this missense variant is not expected to disrupt ANKRD11 protein function with a negative predictive value of 95%. In summary, the available evidence is currently insufficient to determine the role of this variant in disease. Therefore, it has been classified as a Variant of Uncertain Significance.

GeneDx
Classification: Uncertain significance. Last evaluated: 2022-09-22. Review status: criteria provided, single submitter. Criteria: GeneDx Variant Classification Process June 2021. Collection method: clinical testing. Allele origin: germline. Affected: yes.
Comment: In silico analysis supports that this missense variant has a deleterious effect on protein structure/function; Missense variant in a gene in which most reported pathogenic variants are truncating/loss of function; Has not been previously published as pathogenic or benign to our knowledge

NM_013275.6(ANKRD11):c.5138C>T (p.Pro1713Leu)

Gene: ANKRD11 (ankyrin repeat domain 11; minus strand). Cytogenetic location: 16q24.3.
Variant type: single nucleotide variant.
Coding change: c.5138C>T on transcript NM_013275.6 (MANE Select); coding-DNA position 5138, C replaced by T.
Protein change: p.Pro1713Leu; replaces proline 1713 with leucine.
Molecular consequence: missense variant.
Genome position (GRCh38, 1-based): chr16:89,281,404, G>A on the plus strand (C>T on the coding strand, the complement: ANKRD11 is on the minus strand). VCF-style: chr16-89281404-G-A. GRCh37 (hg19) VCF-style: chr16-89347812-G-A.
Other names: c.5138C>T, p.Pro1713Leu (NM_001256182.2, NM_001256183.2); c.5138C>T (NM_013275.5); short protein forms P1713L.
Identifiers: ClinVar variation 2058758 (VCV002058758.5), dbSNP rs748594316, ClinGen allele CA8241934.
Genomic context (GRCh38, chr16:89,281,404, plus strand): 5'-GCGTAGTCATCGGCGCTGCAGGACGGGGTCCTGGGCGTGTGCATCACCTCCTCGTAGCTG[G>A]GGCAGGATAGCACCGACGTAGGGGTGGGCACGCCAGTGGGCCGGCTCTGGTCAGGCCTGG-3'
Protein context (NP_037407.4, residues 1703-1723): VPTPTSVLSC[Pro1713Leu]SYEEVMHTPR